The following is an entry in ClinVar:

NM_001005373.4(LRSAM1):c.805G>A (p.Glu269Lys)

Gene: LRSAM1 (leucine rich repeat and sterile alpha motif containing 1; plus strand). Cytogenetic location: 9q33.3.
Variant type: single nucleotide variant.
Coding change: c.805G>A on transcript NM_001005373.4 (MANE Select); coding-DNA position 805, G replaced by A.
Protein change: p.Glu269Lys; replaces glutamic acid 269 with lysine.
Molecular consequence: missense variant. On other transcripts: non-coding transcript variant (2).
Genome position (GRCh38, 1-based): chr9:127,479,407, G>A. VCF-style: chr9-127479407-G-A. GRCh37 (hg19) VCF-style: chr9-130241686-G-A.
Other names: c.805G>A, p.Glu269Lys (NM_001005374.4, NM_001190723.3, NM_001384142.1 and 2 more transcripts); c.16G>A, p.Glu6Lys (NM_001384144.1); short protein forms E269K, E6K.
Identifiers: ClinVar variation 1047345 (VCV001047345.8), dbSNP rs1414933191, ClinGen allele CA374931124.

ClinVar aggregate classification (germline): Uncertain significance (1 of 4 stars; one submission).

Conditions:
Charcot-Marie-Tooth disease axonal type 2P. Also called: CHARCOT-MARIE-TOOTH DISEASE, AXONAL, TYPE 2G; CMT 2G; CHARCOT-MARIE-TOOTH NEUROPATHY, TYPE 2P; Charcot-Marie-Tooth Neuropathy Type 2G. Identifiers: Orphanet 300319, Orphanet 99941, MedGen C3280797, MONDO:0013753, OMIM 614436.

Allele frequency attached by ClinVar (database versions not stated): gnomAD exomes below 0.00001; TOPMed below 0.00001; gnomAD 0.00001.
gnomAD v4.1: 5 of 1,614,166 alleles (0.00031%); highest among the groups gnomAD compares: Middle Eastern, 0.016%; no homozygotes.

Submission:

Labcorp Genetics (formerly Invitae), Labcorp
Classification: Uncertain significance for Charcot-Marie-Tooth disease axonal type 2P. Last evaluated: 2021-05-20. Review status: criteria provided, single submitter. Criteria: Invitae Variant Classification Sherloc (09022015). Collection method: clinical testing. Allele origin: germline.
Comment: This sequence change replaces glutamic acid with lysine at codon 269 of the LRSAM1 protein (p.Glu269Lys). The glutamic acid residue is highly conserved and there is a small physicochemical difference between glutamic acid and lysine. This variant is not present in population databases (ExAC no frequency). This variant has not been reported in the literature in individuals with LRSAM1-related conditions. Algorithms developed to predict the effect of missense changes on protein structure and function are either unavailable or do not agree on the potential impact of this missense change (SIFT: "Tolerated"; PolyPhen-2: "Probably Damaging"; Align-GVGD: "Class C0"). In summary, the available evidence is currently insufficient to determine the role of this variant in disease. Therefore, it has been classified as a Variant of Uncertain Significance.